The following is an entry in ClinVar:

ClinVar aggregate classification (germline): Uncertain significance (1 of 4 stars; one submission).

Conditions:
Cardiovascular phenotype. Identifiers: MedGen CN230736.

Allele frequency attached by ClinVar (database versions not stated): gnomAD 0.00001; gnomAD exomes below 0.00001; TOPMed 0.00002.
gnomAD v4.1: 4 of 1,613,984 alleles (0.00025%); highest among the groups gnomAD compares: African/African-American, 0.0027%; no homozygotes.

Submission:

Ambry Genetics
Classification: Uncertain significance for Cardiovascular phenotype. Last evaluated: 2025-03-23. Review status: criteria provided, single submitter. Criteria: Ambry Variant Classification Scheme 2023. Collection method: clinical testing. Allele origin: germline.
Comment: The p.E334K variant (also known as c.1000G>A), located in coding exon 1 of the CHST14 gene, results from a G to A substitution at nucleotide position 1000. The glutamic acid at codon 334 is replaced by lysine, an amino acid with similar properties. This amino acid position is highly conserved in available vertebrate species. In addition, the in silico prediction for this alteration is inconclusive. Since supporting evidence is limited at this time, the clinical significance of this alteration remains unclear.

NM_130468.4(CHST14):c.1000G>A (p.Glu334Lys)

Gene: CHST14 (carbohydrate sulfotransferase 14; plus strand). Cytogenetic location: 15q15.1.
Variant type: single nucleotide variant.
Coding change: c.1000G>A on transcript NM_130468.4 (MANE Select); coding-DNA position 1000, G replaced by A.
Protein change: p.Glu334Lys; replaces glutamic acid 334 with lysine.
Molecular consequence: missense variant.
Genome position (GRCh38, 1-based): chr15:40,472,213, G>A. VCF-style: chr15-40472213-G-A. GRCh37 (hg19) VCF-style: chr15-40764412-G-A.
Other names: short protein forms E334K.
Identifiers: ClinVar variation 1747990 (VCV001747990.3), dbSNP rs1207935361, ClinGen allele CA391768511.